The following is an entry in ClinVar:

ClinVar aggregate classification (germline): Uncertain significance. Review status: criteria provided, multiple submitters, no conflicts (2 of 4 stars). 3 submissions from 3 submitters: Uncertain significance (3). Last evaluated 2025-11-18.

Conditions:
Joubert syndrome 21 (JBTS21). Identifiers: MedGen C3810212, MONDO:0014288, OMIM 615636.
Inborn genetic diseases. Identifiers: MedGen C0950123, MeSH D030342.

Allele frequency attached by ClinVar (database versions not stated): gnomAD exomes 0.00001 and 0.00003; ExAC 0.00002; gnomAD 0.00003; TOPMed 0.00003.
gnomAD v4.1: 19 of 1,613,382 alleles (0.0012%); highest among the groups gnomAD compares: Admixed American, 0.0083%; no homozygotes.

Submissions (3):

Labcorp Genetics (formerly Invitae), Labcorp
Classification: Uncertain significance for Joubert syndrome 21. Last evaluated: 2025-11-18. Review status: criteria provided, single submitter. Criteria: Invitae Variant Classification Sherloc (09022015). Collection method: clinical testing. Allele origin: germline.
Comment: This sequence change replaces alanine, which is neutral and non-polar, with threonine, which is neutral and polar, at codon 969 of the CSPP1 protein (p.Ala969Thr). This variant is present in population databases (rs767140972, gnomAD 0.007%). This variant has not been reported in the literature in individuals affected with CSPP1-related conditions. ClinVar contains an entry for this variant (Variation ID: 1015098). An algorithm developed to predict the effect of missense changes on protein structure and function outputs the following: PolyPhen-2: "Benign". The threonine amino acid residue is found in multiple mammalian species, which suggests that this missense change does not adversely affect protein function. In summary, the available evidence is currently insufficient to determine the role of this variant in disease. Therefore, it has been classified as a Variant of Uncertain Significance.

Ambry Genetics
Classification: Uncertain significance for Inborn genetic diseases. Last evaluated: 2025-07-03. Review status: criteria provided, single submitter. Criteria: Ambry Variant Classification Scheme 2023. Collection method: clinical testing. Allele origin: germline.

Revvity Omics, Revvity
Classification: Uncertain significance for Joubert syndrome 21. Last evaluated: 2020-02-27. Review status: criteria provided, single submitter. Criteria: ACMG Guidelines, 2015. Collection method: clinical testing. Allele origin: germline.

NM_001382391.1(CSPP1):c.2920G>A (p.Ala974Thr)

Gene: CSPP1 (centrosome and spindle pole associated protein 1; plus strand). Cytogenetic location: 8q13.2.
Variant type: single nucleotide variant.
Coding change: c.2920G>A on transcript NM_001382391.1 (MANE Select); coding-DNA position 2920, G replaced by A.
Protein change: p.Ala974Thr; replaces alanine 974 with threonine.
Molecular consequence: missense variant.
Genome position (GRCh38, 1-based): chr8:67,172,507, G>A. VCF-style: chr8-67172507-G-A. GRCh37 (hg19) VCF-style: chr8-68084742-G-A.
Other names: c.1870G>A, p.Ala624Thr (NM_001291339.2); c.2839G>A, p.Ala947Thr (NM_001363131.2); c.2725G>A, p.Ala909Thr (NM_001363132.2); c.2644G>A, p.Ala882Thr (NM_001363133.2); c.2986G>A, p.Ala996Thr (NM_001364869.1); c.2806G>A, p.Ala936Thr (NM_001364870.1); c.2905G>A, p.Ala969Thr (NM_024790.7); short protein forms A624T, A882T, A909T, A936T, A947T, A969T, A974T, A996T.
Identifiers: ClinVar variation 1015098 (VCV001015098.8), dbSNP rs767140972, ClinGen allele CA4770988.
Genomic context (GRCh38, chr8:67,172,507, plus strand): 5'-GATATGGCTAGACATCGGTTGCAAGCTCCTGTCAGAAGACAGTCCCCTAAGGGCTTAGAC[G>A]CTGCCACTTTTCAGAATGTTCATGATTTTAATGAGCTGAAAGATAGAGGTGAGTAGATTG-3'
Protein context (NP_001369320.1, residues 964-984): VRRQSPKGLD[Ala974Thr]ATFQNVHDFN